The following is an entry in ClinVar:

NC_000023.11:g.18650488C>G

Genes: CDKL5 (cyclin dependent kinase like 5; plus strand), RS1 (retinoschisin 1; minus strand). Cytogenetic location: Xp22.13.
Variant type: single nucleotide variant.
Molecular consequence: intron variant (on NM_000330.4). On other transcripts: missense variant (2).
Genome position: GRCh38 VCF-style: chrX-18650488-C-G. GRCh37 (hg19) VCF-style: chrX-18668608-C-G.
Other names: c.2876C>G, p.Ser959Cys (NM_001037343.2, NM_003159.3); c.185-3156G>C (NM_000330.4); short protein forms S959C.
Identifiers: ClinVar variation 3759215 (VCV003759215.2).
Genomic context (GRCh38, chrX:18,650,488, plus strand): 5'-GTGACCCAAAGAAGCCTCACACTCCGTGCGTCCCAAACCGAGCCCTTCATCGTCCAATCT[C>G]CAGTCCTGCTCCCTATCCAGTACTCCAGGTCCGAGGCACTTCCATGTGCCCGACACTCCA-3'

ClinVar aggregate classification (germline): Uncertain significance (1 of 4 stars; one submission).

Conditions:
Developmental and epileptic encephalopathy, 2 (DEE2). Also called: CDKL5 deficiency disorder; INFANTILE SPASM SYNDROME, X-LINKED 2. Identifiers: Orphanet 1934, Orphanet 3451, Orphanet 505652, MedGen C4750718, MONDO:0010396, OMIM 300672.
Angelman syndrome-like. Identifiers: MedGen CN128785.

gnomAD v4.1: 4 of 1,210,434 alleles (0.00033%); highest among the groups gnomAD compares: African/African-American, 0.0035%; no homozygotes.

Submission:

Labcorp Genetics (formerly Invitae), Labcorp
Classification: Uncertain significance for Developmental and epileptic encephalopathy, 2; Angelman syndrome-like. Last evaluated: 2024-05-21. Review status: criteria provided, single submitter. Criteria: Invitae Variant Classification Sherloc (09022015). Collection method: clinical testing. Allele origin: germline.
Comment: This sequence change replaces serine, which is neutral and polar, with cysteine, which is neutral and slightly polar, at codon 959 of the CDKL5 protein (p.Ser959Cys). This variant is present in population databases (rs371847235, gnomAD 0.008%). This variant has not been reported in the literature in individuals affected with CDKL5-related conditions. Advanced modeling of protein sequence and biophysical properties (such as structural, functional, and spatial information, amino acid conservation, physicochemical variation, residue mobility, and thermodynamic stability) performed at Invitae indicates that this missense variant is not expected to disrupt CDKL5 protein function with a negative predictive value of 95%. In summary, the available evidence is currently insufficient to determine the role of this variant in disease. Therefore, it has been classified as a Variant of Uncertain Significance.